The following is an entry in ClinVar:

NM_007294.4(BRCA1):c.5044G>C (p.Glu1682Gln)

Gene: BRCA1 (BRCA1 DNA repair associated; minus strand). Cytogenetic location: 17q21.31.
Variant type: single nucleotide variant.
Coding change: c.5044G>C on transcript NM_007294.4 (MANE Select); coding-DNA position 5044, G replaced by C.
Protein change: p.Glu1682Gln; replaces glutamic acid 1682 with glutamine.
Molecular consequence: missense variant. On other transcripts: non-coding transcript variant (1).
Genome position (GRCh38, 1-based): chr17:43,067,638, C>G on the plus strand (G>C on the coding strand, the complement: BRCA1 is on the minus strand). VCF-style: chr17-43067638-C-G. GRCh37 (hg19) VCF-style: chr17-41219655-C-G.
Other names: c.4831G>C, p.Glu1611Gln (NM_001407571.1, NM_001407894.1, NM_001407895.1 and 12 more transcripts); c.5110G>C, p.Glu1704Gln (NM_001407581.1, NM_001407582.1); c.5107G>C, p.Glu1703Gln (NM_001407583.1, NM_001407585.1, NM_001407587.1 and 1 more transcripts); c.5104G>C, p.Glu1702Gln (NM_001407590.1, NM_001407591.1); c.5044G>C, p.Glu1682Gln (NM_001407593.1, NM_001407594.1, NM_001407596.1 and 8 more transcripts); c.5041G>C, p.Glu1681Gln (NM_001407617.1, NM_001407618.1, NM_001407619.1 and 17 more transcripts); c.5038G>C, p.Glu1680Gln (NM_001407636.1, NM_001407637.1, NM_001407638.1 and 14 more transcripts); c.5035G>C, p.Glu1679Gln (NM_001407644.1, NM_001407645.1); and 70 more; short protein forms E1635Q, E1703Q, E578Q, E1682Q, E1513Q, E1571Q, E1593Q, E1639Q.
Identifiers: ClinVar variation 801081 (VCV000801081.5), dbSNP rs80356958, ClinGen allele CA10591431.
Genomic context (GRCh38, chr17:43,067,638, plus strand): 5'-CAAGGTATTCTGTAAAGGTTCTTGGTATACCTGTTTTCATAACAACATGAGTAGTCTCTT[C>G]AGTAATTAGATTAGTTAAAGTGATGTGGTGTTTTCTGGCAAACTTGTACACGAGCATCTG-3'
Protein context (NP_009225.1, residues 1672-1692): HHITLTNLIT[Glu1682Gln]ETTHVVMKTD

ClinVar aggregate classification (germline): Uncertain significance (1 of 4 stars; one submission).

Submissions (2):

Quest Diagnostics Nichols Institute San Juan Capistrano
Classification: Uncertain significance. Last evaluated: 2019-04-19. Review status: criteria provided, single submitter. Criteria: Quest Diagnostics criteria. Collection method: clinical testing. Allele origin: germline.

Brotman Baty Institute, University of Washington
No classification provided (evidence only). Condition: Breast-ovarian cancer, familial 1. Review status: no classification provided. Collection method: in vitro. Allele origin: not applicable. Functional consequence: function_uncertain_variant. Not counted in ClinVar's aggregate classification.
ClinVar note: "not provided" was previously submitted as the classification for the variant. However, the classification appeared to be based only on an observation of functional data so it was converted to no classification on 2025-07-30.